The following is an entry in ClinVar:

NM_003242.6(TGFBR2):c.1202C>G (p.Ser401Cys)

Gene: TGFBR2 (transforming growth factor beta receptor 2; plus strand). Cytogenetic location: 3p24.1.
Variant type: single nucleotide variant.
Coding change: c.1202C>G on transcript NM_003242.6 (MANE Select); coding-DNA position 1202, C replaced by G.
Protein change: p.Ser401Cys; replaces serine 401 with cysteine.
Molecular consequence: missense variant.
Genome position (GRCh38, 1-based): chr3:30,672,385, C>G. VCF-style: chr3-30672385-C-G. GRCh37 (hg19) VCF-style: chr3-30713877-C-G.
Other names: c.1277C>G, p.Ser426Cys (NM_001024847.3); c.1385C>G, p.Ser462Cys (NM_001407126.1); c.1310C>G, p.Ser437Cys (NM_001407127.1); c.1229C>G, p.Ser410Cys (NM_001407128.1); c.1205C>G, p.Ser402Cys (NM_001407129.1); c.1202C>G, p.Ser401Cys (NM_001407130.1); c.1097C>G, p.Ser366Cys (NM_001407132.1, NM_001407133.1, NM_001407134.1 and 2 more transcripts); c.917C>G, p.Ser306Cys (NM_001407137.1); and 1 more; short protein forms S402C, S410C, S426C, S462C, S281C, S366C, S437C, S306C.
Identifiers: ClinVar variation 1747855 (VCV001747855.2), dbSNP rs1575158141, ClinGen allele CA351808753.

ClinVar aggregate classification (germline): Uncertain significance (1 of 4 stars; one submission).

Conditions:
Familial thoracic aortic aneurysm and aortic dissection (TAAD). Also called: Thoracic aortic aneurysms and dissections. Identifiers: Orphanet 91387, MedGen C4707243, MONDO:0019625.

Submission:

Ambry Genetics
Classification: Uncertain significance for Familial thoracic aortic aneurysm and aortic dissection. Last evaluated: 2022-08-01. Review status: criteria provided, single submitter. Criteria: Ambry Variant Classification Scheme 2023. Collection method: clinical testing. Allele origin: germline.
Comment: The p.S401C variant (also known as c.1202C>G), located in coding exon 4 of the TGFBR2 gene, results from a C to G substitution at nucleotide position 1202. The serine at codon 401 is replaced by cysteine, an amino acid with dissimilar properties. This amino acid position is conserved. In addition, the in silico prediction for this alteration is inconclusive. Since supporting evidence is limited at this time, the clinical significance of this alteration remains unclear.